The following is an entry in ClinVar:

ClinVar aggregate classification (germline): Uncertain significance (1 of 4 stars; one submission).

gnomAD v4.1: 57 of 1,578,874 alleles (0.0036%); highest among the groups gnomAD compares: African/African-American, 0.012%; no homozygotes.

Submission:

Ambry Genetics
Classification: Uncertain significance. Last evaluated: 2024-10-04. Review status: criteria provided, single submitter. Criteria: Ambry Variant Classification Scheme 2023. Collection method: clinical testing. Allele origin: germline.
Comment: The p.P737L variant (also known as c.2210C>T), located in coding exon 10 of the WNK2 gene, results from a C to T substitution at nucleotide position 2210. The proline at codon 737 is replaced by leucine, an amino acid with similar properties. This amino acid position is conserved. In addition, this alteration is predicted to be tolerated by in silico analysis. Based on the available evidence, the clinical significance of this variant remains unclear.

NM_006648.4(WNK2):c.2210C>T (p.Pro737Leu)

Gene: WNK2 (WNK lysine deficient protein kinase 2; plus strand). Cytogenetic location: 9q22.31.
Variant type: single nucleotide variant.
Coding change: c.2210C>T on transcript NM_006648.4 (MANE Select); coding-DNA position 2210, C replaced by T.
Protein change: p.Pro737Leu; replaces proline 737 with leucine.
Molecular consequence: missense variant.
Genome position (GRCh38, 1-based): chr9:93,256,967, C>T. VCF-style: chr9-93256967-C-T. GRCh37 (hg19) VCF-style: chr9-96019249-C-T.
Other names: c.2210C>T, p.Pro737Leu (NM_001282394.3); short protein forms P737L.
Identifiers: ClinVar variation 3470057 (VCV003470057.1).